The following is an entry in ClinVar:

NM_014014.5(SNRNP200):c.2143C>T (p.His715Tyr)

Gene: SNRNP200 (small nuclear ribonucleoprotein U5 subunit 200; minus strand). Cytogenetic location: 2q11.2.
Variant type: single nucleotide variant.
Coding change: c.2143C>T on transcript NM_014014.5 (MANE Select); coding-DNA position 2143, C replaced by T.
Protein change: p.His715Tyr; replaces histidine 715 with tyrosine.
Molecular consequence: missense variant.
Genome position (GRCh38, 1-based): chr2:96,292,989, G>A on the plus strand (C>T on the coding strand, the complement: SNRNP200 is on the minus strand). VCF-style: chr2-96292989-G-A. GRCh37 (hg19) VCF-style: chr2-96958727-G-A.
Other names: short protein forms H715Y.
Identifiers: ClinVar variation 1368225 (VCV001368225.8), dbSNP rs554284886, ClinGen allele CA1778768.
Genomic context (GRCh38, chr2:96,292,989, plus strand): 5'-CGAAAGAATGGGGTTCAAGAGTAACCATAAACCACGGGCAAACCTGATTTTTTCCAGCAT[G>A]TTCCATGATTTTTTCATAGACGATTTCATTCATGATCTGGAAACGCTTGATAGCTTTTTT-3'
Protein context (NP_054733.2, residues 705-725): NEIVYEKIME[His715Tyr]AGKNQVLVFV

ClinVar aggregate classification (germline): Uncertain significance (1 of 4 stars; one submission).

gnomAD v4.1: 4 of 1,614,118 alleles (0.00025%); highest among the groups gnomAD compares: Non-Finnish European, 0.00034%; no homozygotes.

Submission:

Labcorp Genetics (formerly Invitae), Labcorp
Classification: Uncertain significance. Last evaluated: 2021-05-05. Review status: criteria provided, single submitter. Criteria: Invitae Variant Classification Sherloc (09022015). Collection method: clinical testing. Allele origin: germline.
Comment: In summary, the available evidence is currently insufficient to determine the role of this variant in disease. Therefore, it has been classified as a Variant of Uncertain Significance. Algorithms developed to predict the effect of missense changes on protein structure and function (SIFT, PolyPhen-2, Align-GVGD) all suggest that this variant is likely to be tolerated, but these predictions have not been confirmed by published functional studies and their clinical significance is uncertain. This variant has not been reported in the literature in individuals with SNRNP200-related conditions. This variant is present in population databases (rs554284886, ExAC 0.001%). This sequence change replaces histidine with tyrosine at codon 715 of the SNRNP200 protein (p.His715Tyr). The histidine residue is highly conserved and there is a moderate physicochemical difference between histidine and tyrosine.